The following is an entry in ClinVar:

NM_000677.4(ADORA3):c.566C>A (p.Pro189His)

Genes: ADORA3 (adenosine A3 receptor; minus strand), TMIGD3 (transmembrane and immunoglobulin domain containing 3; minus strand). Cytogenetic location: 1p13.2.
Variant type: single nucleotide variant.
Coding change: c.566C>A on transcript NM_000677.4 (MANE Select); coding-DNA position 566, C replaced by A.
Protein change: p.Pro189His; replaces proline 189 with histidine.
Molecular consequence: missense variant. On other transcripts: 3 prime UTR variant (1), intron variant (3).
Genome position (GRCh38, 1-based): chr1:111,500,341, G>T on the plus strand (C>A on the coding strand, the complement: ADORA3 is on the minus strand). VCF-style: chr1-111500341-G-T. GRCh37 (hg19) VCF-style: chr1-112042963-G-T.
Other names: c.*258C>A (NM_001302678.2); c.131C>A, p.Pro44His (NM_001302679.2); c.108-11474C>A (NM_001302680.2); c.108-9579C>A (NM_001081976.3); c.350+2664C>A (NM_020683.7); short protein forms P189H, P44H.
Identifiers: ClinVar variation 3048814 (VCV003048814.3), dbSNP rs770214556, ClinGen allele CA1006060.

ClinVar aggregate classification (germline): Uncertain significance (1 of 4 stars; one submission).

Conditions:
ADORA3-related disorder. Also called: ADORA3-related condition.

Allele frequency attached by ClinVar (database versions not stated): gnomAD exomes below 0.00001; ExAC 0.00001.
gnomAD v4.1: 1 of 1,614,186 alleles (0.000062%); highest among the groups gnomAD compares: Non-Finnish European, 0.000085%; no homozygotes.

Submission:

PreventionGenetics, part of Exact Sciences
Classification: Uncertain significance for ADORA3-related condition. Last evaluated: 2026-07-18. Review status: criteria provided, single submitter. Criteria: ACMG Guidelines, 2015. Collection method: clinical testing. Allele origin: germline.
Comment: The ADORA3 c.566C>A variant is predicted to result in the amino acid substitution p.Pro189His. To our knowledge, this variant has not been reported in the literature. This variant is reported in 0.00088% of alleles in individuals of European (Non-Finnish) descent in gnomAD. At this time, the clinical significance of this variant is uncertain due to the absence of conclusive functional and genetic evidence.